The following is an entry in ClinVar:

ClinVar aggregate classification (germline): Uncertain significance. Review status: criteria provided, multiple submitters, no conflicts (2 of 4 stars). 3 submissions from 3 submitters: Uncertain significance (3). Last evaluated 2025-11-24.

Conditions:
Immunodeficiency 23 (IMD23). Also called: IMMUNODEFICIENCY WITH HYPER IgE AND COGNITIVE IMPAIRMENT; IMMUNODEFICIENCY-VASCULITIS-MYOCLONUS SYNDROME. Identifiers: Orphanet 443811, MedGen C4014371, MONDO:0014353, OMIM 615816.
Inborn genetic diseases. Identifiers: MedGen C0950123, MeSH D030342.

Allele frequency attached by ClinVar (database versions not stated): gnomAD exomes 0.00002 and 0.00004; ExAC 0.00005; ESP Exome Variant Server 0.00015; gnomAD 0.00016; TOPMed 0.00020; 1000 Genomes Project 0.00040; 1000 Genomes Project 30x 0.00047.
gnomAD v4.1: 61 of 1,614,020 alleles (0.0038%); highest among the groups gnomAD compares: African/African-American, 0.076%; no homozygotes.

Submissions (3):

Ambry Genetics
Classification: Uncertain significance for Inborn genetic diseases. Last evaluated: 2025-11-24. Review status: criteria provided, single submitter. Criteria: Ambry Variant Classification Scheme 2023. Collection method: clinical testing. Allele origin: germline.

Labcorp Genetics (formerly Invitae), Labcorp
Classification: Uncertain significance for Immunodeficiency 23. Last evaluated: 2022-09-07. Review status: criteria provided, single submitter. Criteria: Invitae Variant Classification Sherloc (09022015). Collection method: clinical testing. Allele origin: germline.
Comment: This sequence change replaces methionine, which is neutral and non-polar, with valine, which is neutral and non-polar, at codon 88 of the PGM3 protein (p.Met88Val). This variant is present in population databases (rs114464760, gnomAD 0.07%). This variant has not been reported in the literature in individuals affected with PGM3-related conditions. ClinVar contains an entry for this variant (Variation ID: 1053466). Algorithms developed to predict the effect of missense changes on protein structure and function are either unavailable or do not agree on the potential impact of this missense change (SIFT: "Deleterious"; PolyPhen-2: "Probably Damaging"; Align-GVGD: "Class C15"). In summary, the available evidence is currently insufficient to determine the role of this variant in disease. Therefore, it has been classified as a Variant of Uncertain Significance.

Blueprint Genetics
Classification: Uncertain significance. Last evaluated: 2022-08-02. Review status: criteria provided, single submitter. Criteria: ACMG Guidelines, 2015. Collection method: clinical testing. Allele origin: germline.

NM_015599.3(PGM3):c.178A>G (p.Met60Val)

Gene: PGM3 (phosphoglucomutase 3; minus strand). Cytogenetic location: 6q14.1.
Variant type: single nucleotide variant.
Coding change: c.178A>G on transcript NM_015599.3 (MANE Select); coding-DNA position 178, A replaced by G.
Protein change: p.Met60Val; replaces methionine 60 with valine.
Molecular consequence: missense variant. On other transcripts: non-coding transcript variant (1), intron variant (1).
Genome position (GRCh38, 1-based): chr6:83,190,835, T>C on the plus strand (A>G on the coding strand, the complement: PGM3 is on the minus strand). VCF-style: chr6-83190835-T-C. GRCh37 (hg19) VCF-style: chr6-83900554-T-C.
Other names: c.262A>G (NM_001199917.1); c.262A>G, p.Met88Val (NM_001199917.2, NM_001367287.1); c.178A>G, p.Met60Val (NM_001199919.2, NM_001367286.1); c.-39-2037A>G (NM_001199918.2); short protein forms M60V, M88V.
Identifiers: ClinVar variation 1053466 (VCV001053466.6), dbSNP rs114464760, ClinGen allele CA3906879.
Genomic context (GRCh38, chr6:83,190,835, plus strand): 5'-ATGGTCTGCTTTATCAGGGCACTAAACCCATTACCTCAGGATTGTGGGACGCTGTTACCA[T>C]GACTCCTATAGTGGATTTTGTCTGTTTTGACCTCAGGACAGCTAATAATCCCATGCGAAA-3'
Protein context (NP_056414.1, residues 50-70): SKQTKSTIGV[Met60Val]VTASHNPEED